The following is an entry in ClinVar:

NM_001042492.3(NF1):c.1200G>C (p.Gln400His)

Gene: NF1 (neurofibromin 1; plus strand). Cytogenetic location: 17q11.2.
Variant type: single nucleotide variant.
Coding change: c.1200G>C on transcript NM_001042492.3 (MANE Select); coding-DNA position 1200, G replaced by C.
Protein change: p.Gln400His; replaces glutamine 400 with histidine.
Molecular consequence: missense variant.
Genome position (GRCh38, 1-based): chr17:31,201,425, G>C. VCF-style: chr17-31201425-G-C. GRCh37 (hg19) VCF-style: chr17-29528443-G-C.
Other names: c.1200G>C, p.Gln400His (NM_000267.4, NM_001128147.3); short protein forms Q400H.
Identifiers: ClinVar variation 998795 (VCV000998795.8), dbSNP rs2066527837, ClinGen allele CA398997457.

ClinVar aggregate classification (germline): Conflicting classifications of pathogenicity. Review status: criteria provided, conflicting classifications (1 of 4 stars). 2 submissions from 2 submitters: Uncertain significance (1); Benign (1). Last evaluated 2025-06-15.

Conditions:
Hereditary cancer-predisposing syndrome. Also called: Neoplastic Syndromes, Hereditary; Hereditary neoplastic syndrome; Hereditary Cancer Syndrome; Tumor predisposition. Identifiers: Orphanet 140162, MedGen C0027672, MeSH D009386, MONDO:0015356.
Cardiovascular phenotype. Identifiers: MedGen CN230736.
Neurofibromatosis, type 1 (NF1). Also called: Neurofibromatosis, type I; VON RECKLINGHAUSEN DISEASE; NEUROFIBROMATOSIS, TYPE I, SOMATIC; Peripheral type neurofibromatosis. Identifiers: Orphanet 636, MedGen C0027831, MONDO:0018975, OMIM 162200. Disease mechanism: loss of function.

Submissions (2):

Labcorp Genetics (formerly Invitae), Labcorp
Classification: Benign for Neurofibromatosis, type 1. Last evaluated: 2025-06-15. Review status: criteria provided, single submitter. Criteria: Invitae Variant Classification Sherloc (09022015). Collection method: clinical testing. Allele origin: germline.

Ambry Genetics
Classification: Uncertain significance for Cardiovascular phenotype; Hereditary cancer-predisposing syndrome. Last evaluated: 2024-09-10. Review status: criteria provided, single submitter. Criteria: Ambry Variant Classification Scheme 2023. Collection method: clinical testing. Allele origin: germline.
Comment: The p.Q400H variant (also known as c.1200G>C), located in coding exon 11 of the NF1 gene, results from a G to C substitution at nucleotide position 1200. The glutamine at codon 400 is replaced by histidine, an amino acid with highly similar properties. This amino acid position is well conserved in available vertebrate species. In addition, the in silico prediction for this alteration is inconclusive. Since supporting evidence is limited at this time, the clinical significance of this alteration remains unclear.